The following is an entry in ClinVar:

NM_018249.6(CDK5RAP2):c.2636A>G (p.Glu879Gly)

Gene: CDK5RAP2 (CDK5 regulatory subunit associated protein 2; minus strand). Cytogenetic location: 9q33.2.
Variant type: single nucleotide variant.
Coding change: c.2636A>G on transcript NM_018249.6 (MANE Select); coding-DNA position 2636, A replaced by G.
Protein change: p.Glu879Gly; replaces glutamic acid 879 with glycine.
Molecular consequence: missense variant. On other transcripts: non-coding transcript variant (5), intron variant (1).
Genome position (GRCh38, 1-based): chr9:120,453,613, T>C on the plus strand (A>G on the coding strand, the complement: CDK5RAP2 is on the minus strand). VCF-style: chr9-120453613-T-C. GRCh37 (hg19) VCF-style: chr9-123215891-T-C.
Other names: c.2636A>G, p.Glu879Gly (NM_001011649.3); c.2104-5487A>G (NM_001272039.2); c.2636A>G (NM_018249.4, NM_018249.5); short protein forms E879G.
Identifiers: ClinVar variation 1049180 (VCV001049180.6), dbSNP rs199766241, ClinGen allele CA5214030.

ClinVar aggregate classification (germline): Uncertain significance. Review status: criteria provided, multiple submitters, no conflicts (2 of 4 stars). 5 submissions from 5 submitters: Uncertain significance (4). 1 of the submissions does not count toward it. Last evaluated 2025-11-17.

Conditions:
Inborn genetic diseases. Identifiers: MedGen C0950123, MeSH D030342.
CDK5RAP2-related disorder. Also called: CDK5RAP2-related condition.

Allele frequency attached by ClinVar (database versions not stated): gnomAD exomes 0.00003 and 0.00007; ExAC 0.00009; gnomAD 0.00034; ESP Exome Variant Server 0.00038; TOPMed 0.00040; 1000 Genomes Project 0.00080; 1000 Genomes Project 30x 0.00094.
gnomAD v4.1: 100 of 1,614,162 alleles (0.0062%); highest among the groups gnomAD compares: African/African-American, 0.12%; no homozygotes.

Submissions (5):

Labcorp Genetics (formerly Invitae), Labcorp
Classification: Uncertain significance. Last evaluated: 2025-11-17. Review status: criteria provided, single submitter. Criteria: Invitae Variant Classification Sherloc (09022015). Collection method: clinical testing. Allele origin: germline.
Comment: This sequence change replaces glutamic acid, which is acidic and polar, with glycine, which is neutral and non-polar, at codon 879 of the CDK5RAP2 protein (p.Glu879Gly). This variant is present in population databases (rs199766241, gnomAD 0.1%). This variant has not been reported in the literature in individuals affected with CDK5RAP2-related conditions. ClinVar contains an entry for this variant (Variation ID: 1049180). An algorithm developed to predict the effect of missense changes on protein structure and function (PolyPhen-2) suggests that this variant is likely to be disruptive. In summary, the available evidence is currently insufficient to determine the role of this variant in disease. Therefore, it has been classified as a Variant of Uncertain Significance.

PreventionGenetics, part of Exact Sciences
Classification: Uncertain significance for CDK5RAP2-related condition. Last evaluated: 2025-05-05. Review status: criteria provided, single submitter. Criteria: ACMG Guidelines, 2015. Collection method: clinical testing. Allele origin: germline.
Comment: The CDK5RAP2 c.2636A>G variant is predicted to result in the amino acid substitution p.Glu879Gly. To our knowledge, this variant has not been reported in the literature. This variant is reported in 0.092% of alleles in individuals of African descent in gnomAD. Although we suspect that this variant may be benign, at this time, the clinical significance of this variant is uncertain due to the absence of conclusive functional and genetic evidence.

Ambry Genetics
Classification: Uncertain significance for Inborn genetic diseases. Last evaluated: 2023-12-08. Review status: criteria provided, single submitter. Criteria: Ambry Variant Classification Scheme 2023. Collection method: clinical testing. Allele origin: germline.

GeneDx
Classification: Uncertain significance. Last evaluated: 2022-11-01. Review status: criteria provided, single submitter. Criteria: GeneDx Variant Classification Process June 2021. Collection method: clinical testing. Allele origin: germline. Affected: yes.
Comment: In silico analysis supports that this missense variant has a deleterious effect on protein structure/function; Has not been previously published as pathogenic or benign to our knowledge

Department of Pathology and Laboratory Medicine, Sinai Health System
Classification: Uncertain significance. Review status: no assertion criteria provided. Collection method: clinical testing. Allele origin: unknown. Affected: yes. Study: The Canadian Open Genetics Repository (COGR). Not counted in ClinVar's aggregate classification.
Comment: The CDK5RAP2 p.Glu879Gly variant was not identified in the literature nor was it identified in ClinVar, Cosmic or LOVD 3.0. The variant was identified in dbSNP (ID: rs199766241) and in control databases in 26 of 282722 chromosomes at a frequency of 0.000092 (Genome Aggregation Database Feb 27, 2017). The variant was observed in the following populations: African in 23 of 24966 chromosomes (freq: 0.000921) and Latino in 3 of 35438 chromosomes (freq: 0.000085), but not observed in the Ashkenazi Jewish, East Asian, European (Finnish), European (non-Finnish), Other or South Asian populations. The p.Glu879 residue is conserved in mammals and computational analyses (PolyPhen-2, SIFT, AlignGVGD, BLOSUM, MutationTaster) provide inconsistent predictions regarding the impact to the protein; this information is not very predictive of pathogenicity. The variant occurs outside of the splicing consensus sequence and in silico or computational prediction software programs (SpliceSiteFinder, MaxEntScan, NNSPLICE, GeneSplicer) do not predict a difference in splicing. In summary, based on the above information the clinical significance of this variant cannot be determined with certainty at this time. This variant is classified as a variant of uncertain significance.